The following is an entry in ClinVar:

ClinVar aggregate classification (germline): Uncertain significance (1 of 4 stars; one submission).

Conditions:
Idiopathic generalized epilepsy. Also called: EIG; Generalised epilepsy. Identifiers: MedGen C0270850, MONDO:0005579, OMIM 600669.

Allele frequency attached by ClinVar (database versions not stated): TOPMed below 0.00001; gnomAD 0.00001; gnomAD exomes 0.00001 and 0.00002; ExAC 0.00003.
gnomAD v4.1: 13 of 1,613,694 alleles (0.00081%); highest among the groups gnomAD compares: Admixed American, 0.0067%; no homozygotes.

Submission:

Labcorp Genetics (formerly Invitae), Labcorp
Classification: Uncertain significance for Idiopathic generalized epilepsy. Last evaluated: 2021-08-27. Review status: criteria provided, single submitter. Criteria: Invitae Variant Classification Sherloc (09022015). Collection method: clinical testing. Allele origin: germline.
Comment: This sequence change replaces aspartic acid with asparagine at codon 214 of the CACNB4 protein (p.Asp214Asn). The aspartic acid residue is highly conserved and there is a small physicochemical difference between aspartic acid and asparagine. This variant is present in population databases (rs767538753, ExAC 0.02%). This variant has not been reported in the literature in individuals affected with CACNB4-related conditions. Algorithms developed to predict the effect of missense changes on protein structure and function are either unavailable or do not agree on the potential impact of this missense change (SIFT: "Deleterious"; PolyPhen-2: "Probably Damaging"; Align-GVGD: "Class C0"). In summary, the available evidence is currently insufficient to determine the role of this variant in disease. Therefore, it has been classified as a Variant of Uncertain Significance.

NM_000726.5(CACNB4):c.640G>A (p.Asp214Asn)

Gene: CACNB4 (calcium voltage-gated channel auxiliary subunit beta 4; minus strand). Cytogenetic location: 2q23.3.
Variant type: single nucleotide variant.
Coding change: c.640G>A on transcript NM_000726.5 (MANE Select); coding-DNA position 640, G replaced by A.
Protein change: p.Asp214Asn; replaces aspartic acid 214 with asparagine.
Molecular consequence: missense variant. On other transcripts: 5 prime UTR variant (1).
Genome position (GRCh38, 1-based): chr2:151,870,590, C>T on the plus strand (G>A on the coding strand, the complement: CACNB4 is on the minus strand). VCF-style: chr2-151870590-C-T. GRCh37 (hg19) VCF-style: chr2-152727104-C-T.
Other names: c.586G>A, p.Asp196Asn (NM_001005746.4); c.538G>A, p.Asp180Asn (NM_001005747.4); c.640G>A, p.Asp214Asn (NM_001145798.3); c.499G>A, p.Asp167Asn (NM_001320722.3, NM_001330118.2); c.566G>A, p.Arg189Gln (NM_001330113.2); c.-15G>A (NM_001330114.2); c.518G>A, p.Arg173Gln (NM_001330115.2); c.479G>A, p.Arg160Gln (NM_001330116.2); and 1 more; short protein forms D167N, D180N, D214N, R189Q, R173Q, R160Q, D196N, D28N.
Identifiers: ClinVar variation 655817 (VCV000655817.6), dbSNP rs767538753, ClinGen allele CA1912554.